The following is an entry in ClinVar:

NM_153682.3(PIGP):c.226A>T (p.Ile76Phe)

Gene: PIGP (phosphatidylinositol glycan anchor biosynthesis class P; minus strand). Cytogenetic location: 21q22.13.
Variant type: single nucleotide variant.
Coding change: c.226A>T on transcript NM_153682.3 (MANE Select); coding-DNA position 226, A replaced by T.
Protein change: p.Ile76Phe; replaces isoleucine 76 with phenylalanine.
Molecular consequence: missense variant.
Genome position (GRCh38, 1-based): chr21:37,067,310, T>A on the plus strand (A>T on the coding strand, the complement: PIGP is on the minus strand). VCF-style: chr21-37067310-T-A. GRCh37 (hg19) VCF-style: chr21-38439610-T-A.
Other names: c.226A>T, p.Ile76Phe (NM_001320480.2); c.148A>T, p.Ile50Phe (NM_016430.4); c.298A>T, p.Ile100Phe (NM_153681.2); short protein forms I100F, I50F, I76F.
Identifiers: ClinVar variation 1481910 (VCV001481910.6), dbSNP rs530375216, ClinGen allele CA10021072.

ClinVar aggregate classification (germline): Uncertain significance. Review status: criteria provided, multiple submitters, no conflicts (2 of 4 stars). 2 submissions from 2 submitters: Uncertain significance (2). Last evaluated 2023-12-11.

Conditions:
Inborn genetic diseases. Identifiers: MedGen C0950123, MeSH D030342.

Allele frequency attached by ClinVar (database versions not stated): ExAC 0.00003; gnomAD exomes 0.00003 and 0.00006; TOPMed 0.00003; gnomAD 0.00005.
gnomAD v4.1: 99 of 1,611,848 alleles (0.0061%); highest among the groups gnomAD compares: Non-Finnish European, 0.0079%; no homozygotes.

Submissions (2):

Ambry Genetics
Classification: Uncertain significance for Inborn genetic diseases. Last evaluated: 2023-12-11. Review status: criteria provided, single submitter. Criteria: Ambry Variant Classification Scheme 2023. Collection method: clinical testing. Allele origin: germline.

Labcorp Genetics (formerly Invitae), Labcorp
Classification: Uncertain significance. Last evaluated: 2022-08-19. Review status: criteria provided, single submitter. Criteria: Invitae Variant Classification Sherloc (09022015). Collection method: clinical testing. Allele origin: germline.
Comment: This sequence change replaces isoleucine, which is neutral and non-polar, with phenylalanine, which is neutral and non-polar, at codon 100 of the PIGP protein (p.Ile100Phe). The frequency data for this variant in the population databases is considered unreliable, as metrics indicate poor data quality at this position in the gnomAD database. This variant has not been reported in the literature in individuals affected with PIGP-related conditions. ClinVar contains an entry for this variant (Variation ID: 1481910). Algorithms developed to predict the effect of missense changes on protein structure and function are either unavailable or do not agree on the potential impact of this missense change (SIFT: "Deleterious"; PolyPhen-2: "Benign"; Align-GVGD: "Class C0"). In summary, the available evidence is currently insufficient to determine the role of this variant in disease. Therefore, it has been classified as a Variant of Uncertain Significance.